The following is an entry in ClinVar:

NM_203486.3(DLL3):c.1138C>T (p.Arg380Cys)

Gene: DLL3 (delta like canonical Notch ligand 3; plus strand). Cytogenetic location: 19q13.2.
Variant type: single nucleotide variant.
Coding change: c.1138C>T on transcript NM_203486.3 (MANE Select); coding-DNA position 1138, C replaced by T.
Protein change: p.Arg380Cys; replaces arginine 380 with cysteine.
Molecular consequence: missense variant.
Genome position (GRCh38, 1-based): chr19:39,507,083, C>T. VCF-style: chr19-39507083-C-T. GRCh37 (hg19) VCF-style: chr19-39997723-C-T.
Other names: c.1138C>T, p.Arg380Cys (NM_016941.4); short protein forms R380C.
Identifiers: ClinVar variation 894206 (VCV000894206.6), dbSNP rs765517369, ClinGen allele CA9432380.

ClinVar aggregate classification (germline): Uncertain significance. Review status: criteria provided, multiple submitters, no conflicts (2 of 4 stars). 4 submissions from 3 submitters: Uncertain significance (4). Last evaluated 2024-05-29.

Conditions:
Syndactyly. Also called: Webbed fingers or toes. Identifiers: MedGen C0039075, MONDO:0021002, HP:0001159.
Spondylocostal dysostosis 1, autosomal recessive (SCDO1). Also called: DLL3-Related Spondylocostal Dysostosis, Autosomal Recessive. Identifiers: Orphanet 2311, MedGen CN032975, MONDO:0020692, OMIM 277300.

Allele frequency attached by ClinVar (database versions not stated): ExAC below 0.00001; gnomAD 0.00001; TOPMed 0.00001.
gnomAD v4.1: 18 of 1,543,262 alleles (0.0012%); highest among the groups gnomAD compares: Non-Finnish European, 0.0016%; no homozygotes.

Submissions (4):

Women's Health and Genetics/Laboratory Corporation of America, LabCorp
Classification: Uncertain significance. Last evaluated: 2024-05-29. Review status: criteria provided, single submitter. Criteria: LabCorp Variant Classification Summary - May 2015. Collection method: clinical testing. Allele origin: germline.
Comment: Variant summary: DLL3 c.1138C>T (p.Arg380Cys) results in a non-conservative amino acid change located in the EGF-like domain (IPR000742) of the encoded protein sequence. Five of five in-silico tools predict a damaging effect of the variant on protein function. The variant allele was found at a frequency of 1.2e-05 in 1543262 control chromosomes. This frequency is not significantly higher than estimated for a pathogenic variant in DLL3 causing Spondylocostal Dysostosis 1, allowing no conclusion about variant significance. c.1138C>T has been reported in the literature in the compound heterozygous state in at least 1 individual affected with Spondylocostal Dysostosis 1 (example, Lefebvre_2018). To our knowledge, no experimental evidence demonstrating an impact on protein function has been reported. The following publication has been ascertained in the context of this evaluation (PMID: 29459493). ClinVar contains an entry for this variant (Variation ID: 894206). Based on the evidence outlined above, the variant was classified as uncertain significance.

Labcorp Genetics (formerly Invitae), Labcorp
Classification: Uncertain significance. Last evaluated: 2022-03-14. Review status: criteria provided, single submitter. Criteria: Invitae Variant Classification Sherloc (09022015). Collection method: clinical testing. Allele origin: germline.
Comment: This sequence change replaces arginine, which is basic and polar, with cysteine, which is neutral and slightly polar, at codon 380 of the DLL3 protein (p.Arg380Cys). The frequency data for this variant in the population databases is considered unreliable, as metrics indicate poor data quality at this position in the gnomAD database. This missense change has been observed in individual(s) with spondylocostal dysostosis (PMID: 29459493). In at least one individual the data is consistent with being in trans (on the opposite chromosome) from a pathogenic variant. ClinVar contains an entry for this variant (Variation ID: 894206). Algorithms developed to predict the effect of missense changes on protein structure and function are either unavailable or do not agree on the potential impact of this missense change (SIFT: "Deleterious"; PolyPhen-2: "Probably Damaging"; Align-GVGD: "Class C0"). In summary, the available evidence is currently insufficient to determine the role of this variant in disease. Therefore, it has been classified as a Variant of Uncertain Significance.

Illumina Laboratory Services, Illumina
Classification: Uncertain significance for Non-syndromic syndactyly. Last evaluated: 2018-01-13. Review status: criteria provided, single submitter. Criteria: ICSL Variant Classification Criteria 13 December 2019. Collection method: clinical testing. Allele origin: germline.

Illumina Laboratory Services, Illumina
Classification: Uncertain significance for Spondylocostal dysostosis 1, autosomal recessive. Last evaluated: 2018-01-13. Review status: criteria provided, single submitter. Criteria: ICSL Variant Classification Criteria 13 December 2019. Collection method: clinical testing. Allele origin: germline.

Literature cited by the submitters: PubMed 29459493 (cited by Women's Health and Genetics/Laboratory Corporation of America, LabCorp and Labcorp Genetics (formerly Invitae), Labcorp).